The following is an entry in ClinVar:

ClinVar aggregate classification (germline): Uncertain significance (1 of 4 stars; one submission).

Conditions:
DISC1-related disorder. Also called: DISC1-related condition.

gnomAD v4.1: 2 of 1,611,522 alleles (0.00012%); highest among the groups gnomAD compares: Non-Finnish European, 0.00017%; no homozygotes.

Submission:

PreventionGenetics, part of Exact Sciences
Classification: Uncertain significance for DISC1-related condition. Last evaluated: 2025-05-07. Review status: criteria provided, single submitter. Criteria: ACMG Guidelines, 2015. Collection method: clinical testing. Allele origin: germline.
Comment: The DISC1 c.2042+2T>C variant is predicted to disrupt the GT donor site and interfere with normal splicing. To our knowledge, this variant has not been reported in the literature or in a large population database (gnomAD), indicating this variant is rare. Another variant predicted to impact the splicing of exons 10 and 11 has been reported in an individual agenesis of the corpus callosum and was demonstrated to impact splicing of the full-length mRNA of DISC1 but not short DISC1 isoforms (Osbun et al. 2011. PubMed ID: 21739582). Although we suspect that this variant may be pathogenic, at this time, the clinical significance of this variant is uncertain due to the absence of conclusive functional and genetic evidence.

NM_018662.3(DISC1):c.2042+2T>C

Genes: DISC1 (DISC1 scaffold protein; plus strand), TSNAX-DISC1 (TSNAX-DISC1 readthrough (NMD candidate); plus strand). Cytogenetic location: 1q42.2.
Variant type: single nucleotide variant.
Coding change: c.2042+2T>C on transcript NM_018662.3 (MANE Select); the canonical splice donor site of the intron after coding-DNA position 2042, T replaced by C.
Molecular consequence: splice donor variant. On other transcripts: stop lost (1), 3 prime UTR variant (1), intron variant (1).
Genome position (GRCh38, 1-based): chr1:231,958,890, T>C. VCF-style: chr1-231958890-T-C. GRCh37 (hg19) VCF-style: chr1-232094636-T-C.
Other names: c.2044T>C, p.Ter682Gln (NM_001164542.2); c.*17T>C (NM_001164546.2); c.2138+2T>C (NM_001164537.2); c.2042+2T>C (NM_001012957.2, NM_001164538.2); c.1676+2T>C (NM_001164540.2); c.1982-49895T>C (NM_001164541.2); c.*15+2T>C (NM_001164547.2).
Identifiers: ClinVar variation 5000098 (VCV005000098.1).
Genomic context (GRCh38, chr1:231,958,890, plus strand): 5'-ACAAGTGTGAAGGAAAATACTATGAAGTACATGGAAACACTTAAGAATAAACTGTGCAGG[T>C]AAGGATAATAATTTCTGTATTTCAGACTCCGTAGCACATCTAGATTCTTTATTATAACAG-3'